The following is an entry in ClinVar:

ClinVar aggregate classification (germline): Uncertain significance (1 of 4 stars; one submission).

Conditions:
Spastic paraplegia. Identifiers: MedGen C0037772, HP:0001258.

Submission:

Labcorp Genetics (formerly Invitae), Labcorp
Classification: Uncertain significance for Spastic paraplegia. Last evaluated: 2023-12-25. Review status: criteria provided, single submitter. Criteria: Invitae Variant Classification Sherloc (09022015). Collection method: clinical testing. Allele origin: germline.
Comment: This sequence change replaces aspartic acid, which is acidic and polar, with asparagine, which is neutral and polar, at codon 353 of the L1CAM protein (p.Asp353Asn). This variant is not present in population databases (gnomAD no frequency). This variant has not been reported in the literature in individuals affected with L1CAM-related conditions. Advanced modeling of protein sequence and biophysical properties (such as structural, functional, and spatial information, amino acid conservation, physicochemical variation, residue mobility, and thermodynamic stability) performed at Invitae indicates that this missense variant is not expected to disrupt L1CAM protein function with a negative predictive value of 95%. In summary, the available evidence is currently insufficient to determine the role of this variant in disease. Therefore, it has been classified as a Variant of Uncertain Significance.

NM_001278116.2(L1CAM):c.1057G>A (p.Asp353Asn)

Gene: L1CAM (L1 cell adhesion molecule; minus strand). Cytogenetic location: Xq28.
Variant type: single nucleotide variant.
Coding change: c.1057G>A on transcript NM_001278116.2 (MANE Select); coding-DNA position 1057, G replaced by A.
Protein change: p.Asp353Asn; replaces aspartic acid 353 with asparagine.
Molecular consequence: missense variant.
Genome position (GRCh38, 1-based): chrX:153,869,869, C>T on the plus strand (G>A on the coding strand, the complement: L1CAM is on the minus strand). VCF-style: chrX-153869869-C-T. GRCh37 (hg19) VCF-style: chrX-153135324-C-T.
Other names: c.1057G>A, p.Asp353Asn (NM_000425.5, NM_024003.3); c.1042G>A, p.Asp348Asn (NM_001143963.2); short protein forms D353N, D348N.
Identifiers: ClinVar variation 2758364 (VCV002758364.3), dbSNP rs2521014508, ClinGen allele CA415130824.
Genomic context (GRCh38, chrX:153,869,869, plus strand): 5'-CAGGGATCCCGTTGATTCTCCAGGTGACCTCTGGTTGGGGCCTGCCCTGGACTTGGCAGT[C>T]CAGGCGGGCAGTCTCTCCTGGCCCATATAGATGGCTCTGGGGCTTGTGCAGCCAGTACGG-3'
Protein context (NP_001265045.1, residues 343-363): LYGPGETARL[Asp353Asn]CQVQGRPQPE